The following is an entry in ClinVar:

NM_003640.5(ELP1):c.2164C>T (p.Arg722Ter)

Gene: ELP1 (elongator acetyltransferase complex subunit 1; minus strand). Cytogenetic location: 9q31.3.
Variant type: single nucleotide variant.
Coding change: c.2164C>T on transcript NM_003640.5 (MANE Select); coding-DNA position 2164, C replaced by T.
Protein change: p.Arg722Ter; replaces arginine 722 with a stop codon.
Molecular consequence: nonsense.
Genome position (GRCh38, 1-based): chr9:108,899,862, G>A on the plus strand (C>T on the coding strand, the complement: ELP1 is on the minus strand). VCF-style: chr9-108899862-G-A. GRCh37 (hg19) VCF-style: chr9-111662142-G-A.
Other names: c.2164C>T (NM_003640.4); c.1822C>T, p.Arg608Ter (NM_001318360.2); c.1117C>T, p.Arg373Ter (NM_001330749.2); short protein forms R608*, R373*, R722*.
Identifiers: ClinVar variation 2800927 (VCV002800927.4), dbSNP rs1460858565, ClinGen allele CA374423114.
Genomic context (GRCh38, chr9:108,899,862, plus strand): 5'-AACAGTACAATGGCACTTACTTGTCCAACCACTTCCGAATCTGAGCTAAAACCAGGGCTC[G>A]ATGATGAACAACTTCTAAGTTTCCCCTTGGCATCTTAAATAAATTAAAGCAGTAACATTT-3'

ClinVar aggregate classification (germline): Pathogenic/Likely pathogenic. Review status: criteria provided, multiple submitters, no conflicts (2 of 4 stars). 2 submissions from 2 submitters: Pathogenic (1); Likely pathogenic (1). Last evaluated 2025-06-08.

Conditions:
Familial dysautonomia. Also called: HSAN III; FD. Identifiers: Orphanet 1764, MedGen C0013364, MONDO:0009131, OMIM 223900. Disease mechanism: loss of function.

Allele frequency attached by ClinVar (database versions not stated): gnomAD exomes below 0.00001; gnomAD 0.00001.
gnomAD v4.1: 4 of 1,613,888 alleles (0.00025%); highest among the groups gnomAD compares: East Asian, 0.0045%; no homozygotes.

Submissions (2):

Natera, Inc.
Classification: Likely pathogenic for Familial dysautonomia. Last evaluated: 2025-06-08. Review status: criteria provided, single submitter. Criteria: Natera Variant Classification Schema (03/2026). Collection method: clinical testing. Allele origin: germline.
Comment: The c.2164C>T variant in ELP1 is a nonsense variant predicted to introduce a stop codon at amino acid 722. This variant is expected to result in nonsense mediated decay, truncation, or a dysfunctional protein product. This variant is rare in the general population with a frequency below the threshold expected for the associated phenotype(s). Given the available evidence, this variant is classified as Likely Pathogenic.

Labcorp Genetics (formerly Invitae), Labcorp
Classification: Pathogenic. Last evaluated: 2022-12-16. Review status: criteria provided, single submitter. Criteria: Invitae Variant Classification Sherloc (09022015). Collection method: clinical testing. Allele origin: germline.
Comment: This variant is present in population databases (no rsID available, gnomAD 0.006%). For these reasons, this variant has been classified as Pathogenic. This variant has not been reported in the literature in individuals affected with ELP1-related conditions. This sequence change creates a premature translational stop signal (p.Arg722*) in the ELP1 gene. It is expected to result in an absent or disrupted protein product. Loss-of-function variants in ELP1 are known to be pathogenic (PMID: 18303054, 24173031).

Literature cited by the submitters: PubMed 18303054 (cited by Labcorp Genetics (formerly Invitae), Labcorp); PubMed 24173031 (cited by Labcorp Genetics (formerly Invitae), Labcorp).